The following is an entry in ClinVar:

ClinVar aggregate classification (germline): Likely benign (1 of 4 stars; one submission).

Conditions:
ZNF644-related disorder. Also called: ZNF644-related condition.

Submission:

PreventionGenetics, part of Exact Sciences
Classification: Likely benign for ZNF644-related condition. Last evaluated: 2026-03-04. Review status: criteria provided, single submitter. Criteria: ACMG Guidelines, 2015. Collection method: clinical testing. Allele origin: germline.
Comment: This variant is classified as likely benign based on ACMG/AMP sequence variant interpretation guidelines (Richards et al. 2015 PMID: 25741868, with internal and published modifications).

NM_201269.3(ZNF644):c.2763T>C (p.Tyr921=)

Gene: ZNF644 (zinc finger protein 644; minus strand). Cytogenetic location: 1p22.2.
Variant type: single nucleotide variant.
Coding change: c.2763T>C on transcript NM_201269.3 (MANE Select); coding-DNA position 2763, T replaced by C.
Protein change: p.Tyr921=; no amino-acid change (tyrosine 921 retained).
Molecular consequence: synonymous variant. On other transcripts: intron variant (2).
Genome position (GRCh38, 1-based): chr1:90,938,591, A>G on the plus strand (T>C on the coding strand, the complement: ZNF644 is on the minus strand). VCF-style: chr1-90938591-A-G. GRCh37 (hg19) VCF-style: chr1-91404148-A-G.
Other names: c.2763T>C, p.Tyr921= (NM_001437610.1, NM_001437611.1, NM_001437612.1 and 1 more transcripts); c.23-20437T>C (NM_032186.5, NM_016620.4).
Identifiers: ClinVar variation 4991099 (VCV004991099.1).